The following is an entry in ClinVar:

ClinVar aggregate classification (germline): Uncertain significance. Review status: criteria provided, single submitter (1 of 4 stars). 2 submissions from 2 submitters: Uncertain significance (1). 1 of the submissions does not count toward it. Last evaluated 2024-01-11.

Conditions:
Inborn genetic diseases. Identifiers: MedGen C0950123, MeSH D030342.

gnomAD v4.1: 3 of 1,613,432 alleles (0.00019%); highest among the groups gnomAD compares: Non-Finnish European, 0.00025%; no homozygotes.

Submissions (2):

Ambry Genetics
Classification: Uncertain significance for Inborn genetic diseases. Last evaluated: 2024-01-11. Review status: criteria provided, single submitter. Criteria: Ambry Variant Classification Scheme 2023. Collection method: clinical testing. Allele origin: germline.
Comment: The p.C356R variant (also known as c.1066T>C), located in coding exon 9 of the BUB1B gene, results from a T to C substitution at nucleotide position 1066. The cysteine at codon 356 is replaced by arginine, an amino acid with highly dissimilar properties. This amino acid position is conserved. In addition, the in silico prediction for this alteration is inconclusive. Since supporting evidence is limited at this time, the clinical significance of this alteration remains unclear.

ITMI
No classification provided. Condition: AllHighlyPenetrant. Last evaluated: 2013-09-19. Review status: no classification provided. Collection method: reference population. Allele origin: germline. Not counted in ClinVar's aggregate classification.
Comment: Please see associated publication for description of ethnicities

Literature cited by the submitters: PubMed 24728327 (cited by ITMI).

NM_001211.6(BUB1B):c.1066T>C (p.Cys356Arg)

Gene: BUB1B (BUB1 mitotic checkpoint serine/threonine kinase B; plus strand). Cytogenetic location: 15q15.1.
Variant type: single nucleotide variant.
Coding change: c.1066T>C on transcript NM_001211.6 (MANE Select); coding-DNA position 1066, T replaced by C.
Protein change: p.Cys356Arg; replaces cysteine 356 with arginine.
Molecular consequence: missense variant.
Genome position (GRCh38, 1-based): chr15:40,196,552, T>C. VCF-style: chr15-40196552-T-C. GRCh37 (hg19) VCF-style: chr15-40488753-T-C.
Other names: c.1066T>C (NM_001211.5); short protein forms C356R.
Identifiers: ClinVar variation 133783 (VCV000133783.2), dbSNP rs370655726, ClinGen allele CA157799.
Genomic context (GRCh38, chr15:40,196,552, plus strand): 5'-ATTGATTTTTTTTATTTTGACCCATATGAATAATAGTAATTTTGCTTCTTTAGGACACCA[T>C]GTAAAATTGAACCTAGTATAAACCACATCCTAAGCACCAGAAAGCCTGGAAAGGAAGAAG-3'
Protein context (NP_001202.5, residues 346-366): ETARQPVMTP[Cys356Arg]KIEPSINHIL